The following is an entry in ClinVar:

ClinVar aggregate classification (germline): Uncertain significance (1 of 4 stars; one submission).

Conditions:
Hypokalemic periodic paralysis, type 1. Also called: Hypokalemic Periodic Paralysis Type 1 (AD); HypoPP. Identifiers: Orphanet 681, MedGen C3714580, MONDO:0042979, OMIM 170400.
Malignant hyperthermia, susceptibility to, 5 (MHS5). Also called: CACNA1S-Related Malignant Hyperthermia Susceptibility. Identifiers: Orphanet 423, MedGen C1866077, MONDO:0011163, OMIM 601887.

Submission:

Labcorp Genetics (formerly Invitae), Labcorp
Classification: Uncertain significance for Hypokalemic periodic paralysis, type 1; Malignant hyperthermia, susceptibility to, 5. Last evaluated: 2022-06-27. Review status: criteria provided, single submitter. Criteria: Invitae Variant Classification Sherloc (09022015). Collection method: clinical testing. Allele origin: germline.
Comment: This sequence change replaces methionine, which is neutral and non-polar, with threonine, which is neutral and polar, at codon 981 of the CACNA1S protein (p.Met981Thr). This variant is not present in population databases (gnomAD no frequency). This variant has not been reported in the literature in individuals affected with CACNA1S-related conditions. Advanced modeling of protein sequence and biophysical properties (such as structural, functional, and spatial information, amino acid conservation, physicochemical variation, residue mobility, and thermodynamic stability) performed at Invitae indicates that this missense variant is not expected to disrupt CACNA1S protein function. In summary, the available evidence is currently insufficient to determine the role of this variant in disease. Therefore, it has been classified as a Variant of Uncertain Significance.

NM_000069.3(CACNA1S):c.2942T>C (p.Met981Thr)

Gene: CACNA1S (calcium voltage-gated channel subunit alpha1 S; minus strand). Cytogenetic location: 1q32.1.
Variant type: single nucleotide variant.
Coding change: c.2942T>C on transcript NM_000069.3 (MANE Select); coding-DNA position 2942, T replaced by C.
Protein change: p.Met981Thr; replaces methionine 981 with threonine.
Molecular consequence: missense variant.
Genome position (GRCh38, 1-based): chr1:201,062,055, A>G on the plus strand (T>C on the coding strand, the complement: CACNA1S is on the minus strand). VCF-style: chr1-201062055-A-G. GRCh37 (hg19) VCF-style: chr1-201031183-A-G.
Other names: short protein forms M981T.
Identifiers: ClinVar variation 1443633 (VCV001443633.8), dbSNP rs1661070471, ClinGen allele CA344163596.
Genomic context (GRCh38, chr1:201,062,055, plus strand): 5'-AGCACATTGTCGAAGTGGAAGTCGCTGTGTACCCACTCGCGGTGACGCAGCTCTATCTGC[A>G]TGGGGTCCCCGTCCTTGTACACGTAGTAGTAGCCCCTGTGGCAGGGAGGCCCAGTCACTC-3'
Protein context (NP_000060.2, residues 971-991): YYYVYKDGDP[Met981Thr]QIELRHREWV